The following is an entry in ClinVar:

ClinVar aggregate classification (germline): Benign/Likely benign. Review status: criteria provided, multiple submitters, no conflicts (2 of 4 stars). 3 submissions from 3 submitters: Benign (1); Likely benign (2). Last evaluated 2026-01-20.

Conditions:
Congenital disorder of deglycosylation (CDDG). Identifiers: MedGen C3808991, MONDO:0031376.

Allele frequency attached by ClinVar (database versions not stated): gnomAD exomes 0.00012 and 0.00038; 1000 Genomes Project 30x 0.00047; ExAC 0.00054; 1000 Genomes Project 0.00060; ESP Exome Variant Server 0.00123; gnomAD 0.00137 and 0.00152; TOPMed 0.00139.
gnomAD v4.1: 390 of 1,600,344 alleles (0.024%); highest among the groups gnomAD compares: African/African-American, 0.46%; no homozygotes.

Submissions (3):

Labcorp Genetics (formerly Invitae), Labcorp
Classification: Benign for Congenital disorder of deglycosylation. Last evaluated: 2026-01-20. Review status: criteria provided, single submitter. Criteria: Invitae Variant Classification Sherloc (09022015). Collection method: clinical testing. Allele origin: germline.

Blueprint Genetics
Classification: Likely benign. Last evaluated: 2024-11-11. Review status: criteria provided, single submitter. Criteria: ACMG Guidelines, 2015. Collection method: clinical testing. Allele origin: germline.

GeneDx
Classification: Likely benign. Last evaluated: 2016-08-08. Review status: criteria provided, single submitter. Criteria: GeneDx Variant Classification (06012015). Collection method: clinical testing. Allele origin: germline. Affected: yes.
Comment: This variant is considered likely benign or benign based on one or more of the following criteria: it is a conservative change, it occurs at a poorly conserved position in the protein, it is predicted to be benign by multiple in silico algorithms, and/or has population frequency not consistent with disease.

NM_018297.4(NGLY1):c.1003+15A>C

Gene: NGLY1 (N-glycanase 1; minus strand). Cytogenetic location: 3p24.2.
Variant type: single nucleotide variant.
Coding change: c.1003+15A>C on transcript NM_018297.4 (MANE Select); 15 bases into the intron after coding-DNA position 1003, A replaced by C.
Molecular consequence: intron variant.
Genome position (GRCh38, 1-based): chr3:25,737,319, T>G on the plus strand (A>C on the coding strand, the complement: NGLY1 is on the minus strand). VCF-style: chr3-25737319-T-G. GRCh37 (hg19) VCF-style: chr3-25778810-T-G.
Other names: c.877+15A>C (NM_001145294.2); c.1003+15A>C (NM_001145295.2, NM_001145293.2).
Identifiers: ClinVar variation 387975 (VCV000387975.10), dbSNP rs145665993, ClinGen allele CA2289321.
Genomic context (GRCh38, chr3:25,737,319, plus strand): 5'-ATGGGCTCAGAATGTAAACCCAAACCTGCAAGCCTGCAAAGCCCTACTACCCTCTGCTCA[T>G]TCCACATTCTGTACCTGTGTAATCCCAAACATAGCGAGCTTCAAACCCTACAGCTCGGCA-3'